The following is an entry in ClinVar:

ClinVar aggregate classification (germline): Likely benign. Review status: criteria provided, single submitter (1 of 4 stars). 2 submissions from 2 submitters: Likely benign (1). 1 of the submissions does not count toward it. Last evaluated 2025-06-03.

Conditions:
NHERF1-related disorder. Also called: NHERF1-related condition.

Allele frequency attached by ClinVar (database versions not stated): ExAC 0.00001; gnomAD exomes 0.00004; TOPMed 0.00005.
gnomAD v4.1: 60 of 1,613,904 alleles (0.0037%); highest among the groups gnomAD compares: East Asian, 0.011%; no homozygotes.

Submissions (2):

Labcorp Genetics (formerly Invitae), Labcorp
Classification: Likely benign. Last evaluated: 2025-06-03. Review status: criteria provided, single submitter. Criteria: Invitae Variant Classification Sherloc (09022015). Collection method: clinical testing. Allele origin: germline.

PreventionGenetics, part of Exact Sciences
Classification: Likely benign for NHERF1-related condition. Last evaluated: 2021-08-25. Review status: no assertion criteria provided. Collection method: clinical testing. Allele origin: germline. Not counted in ClinVar's aggregate classification.
Comment: This variant is classified as likely benign based on ACMG/AMP sequence variant interpretation guidelines (Richards et al. 2015 PMID: 25741868, with internal and published modifications).

NM_004252.5(NHERF1):c.672C>T (p.Asp224=)

Gene: NHERF1 (NHERF family PDZ scaffold protein 1; plus strand). Cytogenetic location: 17q25.1.
Variant type: single nucleotide variant.
Coding change: c.672C>T on transcript NM_004252.5 (MANE Select); coding-DNA position 672, C replaced by T.
Protein change: p.Asp224=; no amino-acid change (aspartic acid 224 retained).
Molecular consequence: synonymous variant.
Genome position (GRCh38, 1-based): chr17:74,763,435, C>T. VCF-style: chr17-74763435-C-T. GRCh37 (hg19) VCF-style: chr17-72759574-C-T.
Identifiers: ClinVar variation 3056467 (VCV003056467.3), dbSNP rs35833270, ClinGen allele CA8750688.